The following is an entry in ClinVar:

NM_001197104.2(KMT2A):c.7873C>T (p.Arg2625Cys)

Gene: KMT2A (lysine methyltransferase 2A; plus strand). Cytogenetic location: 11q23.3.
Variant type: single nucleotide variant.
Coding change: c.7873C>T on transcript NM_001197104.2 (MANE Select); coding-DNA position 7873, C replaced by T.
Protein change: p.Arg2625Cys; replaces arginine 2625 with cysteine.
Molecular consequence: missense variant.
Genome position (GRCh38, 1-based): chr11:118,503,765, C>T. VCF-style: chr11-118503765-C-T. GRCh37 (hg19) VCF-style: chr11-118374480-C-T.
Other names: c.7963C>T, p.Arg2655Cys (NM_001412597.1); c.7864C>T, p.Arg2622Cys (NM_005933.4); short protein forms R2622C, R2655C, R2625C.
Identifiers: ClinVar variation 2780237 (VCV002780237.3), dbSNP rs2134394940, ClinGen allele CA382807596.

ClinVar aggregate classification (germline): Uncertain significance (1 of 4 stars; one submission).

Allele frequency attached by ClinVar (database versions not stated): gnomAD exomes below 0.00001.
gnomAD v4.1: 1 of 1,614,148 alleles (0.000062%); highest among the groups gnomAD compares: Non-Finnish European, 0.000085%; no homozygotes.

Submission:

Labcorp Genetics (formerly Invitae), Labcorp
Classification: Uncertain significance. Last evaluated: 2023-01-23. Review status: criteria provided, single submitter. Criteria: Invitae Variant Classification Sherloc (09022015). Collection method: clinical testing. Allele origin: germline.
Comment: In summary, the available evidence is currently insufficient to determine the role of this variant in disease. Therefore, it has been classified as a Variant of Uncertain Significance. Advanced modeling of protein sequence and biophysical properties (such as structural, functional, and spatial information, amino acid conservation, physicochemical variation, residue mobility, and thermodynamic stability) has been performed at Invitae for this missense variant, however the output from this modeling did not meet the statistical confidence thresholds required to predict the impact of this variant on KMT2A protein function. This missense change has been observed in individual(s) with a neurodevelopmental disorder (PMID: 28191889). This variant is not present in population databases (gnomAD no frequency). This sequence change replaces arginine, which is basic and polar, with cysteine, which is neutral and slightly polar, at codon 2625 of the KMT2A protein (p.Arg2625Cys).

Literature cited by the submitters: PubMed 28191889.